The following is an entry in ClinVar:

ClinVar aggregate classification (germline): Likely benign (0 of 4 stars; one submission).

Conditions:
PLXNA3-related disorder. Also called: PLXNA3-related condition.

gnomAD v4.1: 16 of 1,210,246 alleles (0.0013%); highest among the groups gnomAD compares: Middle Eastern, 0.023%; no homozygotes.

Submission:

PreventionGenetics, part of Exact Sciences
Classification: Likely benign for PLXNA3-related condition. Last evaluated: 2024-09-03. Review status: no assertion criteria provided. Collection method: clinical testing. Allele origin: germline.
Comment: This variant is classified as likely benign based on ACMG/AMP sequence variant interpretation guidelines (Richards et al. 2015 PMID: 25741868, with internal and published modifications).

NM_017514.5(PLXNA3):c.2568C>T (p.Thr856=)

Gene: PLXNA3 (plexin A3; plus strand). Cytogenetic location: Xq28.
Variant type: single nucleotide variant.
Coding change: c.2568C>T on transcript NM_017514.5 (MANE Select); coding-DNA position 2568, C replaced by T.
Protein change: p.Thr856=; no amino-acid change (threonine 856 retained).
Molecular consequence: synonymous variant.
Genome position (GRCh38, 1-based): chrX:154,465,970, C>T. VCF-style: chrX-154465970-C-T. GRCh37 (hg19) VCF-style: chrX-153694313-C-T.
Identifiers: ClinVar variation 3358271 (VCV003358271.1).
Genomic context (GRCh38, chrX:154,465,970, plus strand): 5'-TCTCACTGCCCATCCTGCTCCACAGATCCACCCTCTCGTGGGGCCCAAGGAAGGAGGCAC[C>T]CGGGTCACCATCGTGGGTGAGAACCTGGGCCTCTTGTCCCGAGAGGTGGGCCTGCGGGTG-3'
Protein context (NP_059984.3, residues 846-866): HPLVGPKEGG[Thr856=]RVTIVGENLG